The following is an entry in ClinVar:

ClinVar aggregate classification (germline): Likely benign (1 of 4 stars; one submission).

Allele frequency attached by ClinVar (database versions not stated): ExAC 0.00041; gnomAD 0.00125.

Submission:

CeGaT Center for Human Genetics Tuebingen
Classification: Likely benign. Last evaluated: 2023-08-01. Review status: criteria provided, single submitter. Criteria: CeGaT Center For Human Genetics Tuebingen Variant Classification Criteria Version 2. Collection method: clinical testing. Allele origin: germline. Affected: yes. Observed: 1 variant allele.
Comment: MUC4: BP4, BS2

NM_018406.7(MUC4):c.6991A>T (p.Thr2331Ser)

Gene: MUC4 (mucin 4, cell surface associated). Cytogenetic location: 3q29.
Variant type: single nucleotide variant.
Coding change: c.6991A>T on transcript NM_018406.7 (MANE Select); coding-DNA position 6991, A replaced by T.
Protein change: p.Thr2331Ser; replaces threonine 2331 with serine.
Molecular consequence: missense variant. On other transcripts: genic upstream transcript variant (2).
Genome position (GRCh38, 1-based): chr3:195,784,589, T>A on the plus strand (A>T on the coding strand, the complement: MUC4 is on the minus strand). VCF-style: chr3-195784589-T-A. GRCh37 (hg19) VCF-style: chr3-195511460-T-A.
Other names: c.10174A>T, p.Thr3392Ser (NM_001322468.1); c.83-10284A>T (NM_138297.5); c.83-6134A>T (NM_004532.6); short protein forms T2331S, T3392S.
Identifiers: ClinVar variation 2654464 (VCV002654464.24), dbSNP rs75618240, ClinGen allele CA2772652.